The following is an entry in ClinVar:

NM_001306179.2(HNF1A):c.1645del (p.Val549fs)

Gene: HNF1A (HNF1 homeobox A; plus strand). Cytogenetic location: 12q24.31.
Variant type: Deletion.
Coding change: c.1645del on transcript NM_001306179.2; coding-DNA position 1645, one base deleted (G; older notation c.1645delG).
Protein change: p.Val549fs; shifts the reading frame from valine 549.
Molecular consequence: frameshift variant.
Genome position (GRCh38, 1-based): chr12:120,999,483, G deleted; the last of 2 consecutive G bases (chr12:120,999,482-120,999,483); deleting either gives the same sequence. VCF-style (leftmost placement, unchanged base first): chr12-120999481-AG-A. GRCh37 (hg19) VCF-style: chr12-121437284-AG-A.
Other names: short protein forms V549fs.
Identifiers: ClinVar variation 2777831 (VCV002777831.3), dbSNP rs2500009853, ClinGen allele CA2739277333.
Genomic context (GRCh38, chr12:120,999,481, plus strand): 5'-CCTGTGACAGAGCCCCTCACCCCCACATCCCCCGGGCTCAGGAGGCTGCTCTGCTCCCCC[AG>A]GTCTTCACCTCAGACACTGAGGCCTCCAGTGAGTCCGGGCTTCACACGCCGGCATCTCAG-3'

ClinVar aggregate classification (germline): Likely pathogenic (1 of 4 stars; one submission).

Submission:

Labcorp Genetics (formerly Invitae), Labcorp
Classification: Likely pathogenic. Last evaluated: 2024-01-05. Review status: criteria provided, single submitter. Criteria: Invitae Variant Classification Sherloc (09022015). Collection method: clinical testing. Allele origin: germline.
Comment: This sequence change results in a frameshift in the HNF1A gene (p.Val542Serfs*118). While this is not anticipated to result in nonsense mediated decay, it is expected to disrupt the last 90 amino acid(s) of the HNF1A protein and extend the protein by 27 additional amino acid residues. This variant is not present in population databases (gnomAD no frequency). This frameshift has been observed in individual(s) with clinical features consistent with HNF1A-related conditions (Invitae). Algorithms developed to predict the effect of sequence changes on RNA splicing suggest that this variant may disrupt the consensus splice site. This variant disrupts a region of the HNF1A protein in which other variant(s) (p.His582Arg) have been observed in individuals with HNF1A-related conditions (PMID: 23624530). This suggests that this is a clinically significant region of the protein, and that variants that disrupt it are likely to be disease-causing. In summary, the currently available evidence indicates that the variant is pathogenic, but additional data are needed to prove that conclusively. Therefore, this variant has been classified as Likely Pathogenic.

Literature cited by the submitters: PubMed 23624530.